The following is an entry in ClinVar:

NM_182931.3(KMT2E):c.3840T>G (p.Asp1280Glu)

Gene: KMT2E (lysine methyltransferase 2E (inactive); plus strand). Cytogenetic location: 7q22.3.
Variant type: single nucleotide variant.
Coding change: c.3840T>G on transcript NM_182931.3 (MANE Select); coding-DNA position 3840, T replaced by G.
Protein change: p.Asp1280Glu; replaces aspartic acid 1280 with glutamic acid.
Molecular consequence: missense variant.
Genome position (GRCh38, 1-based): chr7:105,110,364, T>G. VCF-style: chr7-105110364-T-G. GRCh37 (hg19) VCF-style: chr7-104750811-T-G.
Other names: c.3840T>G, p.Asp1280Glu (NM_001410908.1, NM_018682.4); short protein forms D1280E.
Identifiers: ClinVar variation 2429085 (VCV002429085.4), dbSNP rs766359250, ClinGen allele CA368790765.

ClinVar aggregate classification (germline): Uncertain significance (1 of 4 stars; one submission).

gnomAD v4.1: 12 of 1,614,048 alleles (0.00074%); highest among the groups gnomAD compares: Non-Finnish European, 0.00085%; no homozygotes.

Submission:

Greenwood Genetic Center Diagnostic Laboratories, Greenwood Genetic Center
Classification: Uncertain significance. Last evaluated: 2022-10-25. Review status: criteria provided, single submitter. Criteria: ACMG Guidelines, 2015. Collection method: clinical testing. Allele origin: germline. Affected: yes.
Comment: PM2